The following is an entry in ClinVar:

NM_000334.4(SCN4A):c.598G>A (p.Val200Ile)

Gene: SCN4A (sodium voltage-gated channel alpha subunit 4; minus strand). Cytogenetic location: 17q23.3.
Variant type: single nucleotide variant.
Coding change: c.598G>A on transcript NM_000334.4 (MANE Select); coding-DNA position 598, G replaced by A.
Protein change: p.Val200Ile; replaces valine 200 with isoleucine.
Molecular consequence: missense variant.
Genome position (GRCh38, 1-based): chr17:63,971,735, C>T on the plus strand (G>A on the coding strand, the complement: SCN4A is on the minus strand). VCF-style: chr17-63971735-C-T. GRCh37 (hg19) VCF-style: chr17-62049095-C-T.
Other names: short protein forms V200I.
Identifiers: ClinVar variation 1399807 (VCV001399807.8), dbSNP rs2144813782, ClinGen allele CA400638886.
Genomic context (GRCh38, chr17:63,971,735, plus strand): 5'-TCCCCTCACCCACCCCAGCCTCAGGATGTCCTGGGGCCCCTGCTCACGCCATCATGATGA[C>T]ACTGAAGTCCAGCCAGTTCCAGGGGTCCCGGAGGAATGTGAAGTCGTCGACACAGAAGCC-3'
Protein context (NP_000325.4, residues 190-210): RDPWNWLDFS[Val200Ile]IMMAYLTEFV

ClinVar aggregate classification (germline): Uncertain significance (1 of 4 stars; one submission).

Conditions:
Hyperkalemic periodic paralysis. Also called: Familial hyperkalemic periodic paralysis; Gamstorp disease. Identifiers: Orphanet 682, MedGen C0238357, MONDO:0008224, OMIM 170500, HP:0007215.

Submission:

Labcorp Genetics (formerly Invitae), Labcorp
Classification: Uncertain significance for Hyperkalemic periodic paralysis. Last evaluated: 2021-06-07. Review status: criteria provided, single submitter. Criteria: Invitae Variant Classification Sherloc (09022015). Collection method: clinical testing. Allele origin: germline.
Comment: This sequence change replaces valine with isoleucine at codon 200 of the SCN4A protein (p.Val200Ile). The valine residue is highly conserved and there is a small physicochemical difference between valine and isoleucine. This variant is not present in population databases (ExAC no frequency). This variant has not been reported in the literature in individuals with SCN4A-related conditions. Algorithms developed to predict the effect of missense changes on protein structure and function (SIFT, PolyPhen-2, Align-GVGD) all suggest that this variant is likely to be disruptive, but these predictions have not been confirmed by published functional studies and their clinical significance is uncertain. In summary, the available evidence is currently insufficient to determine the role of this variant in disease. Therefore, it has been classified as a Variant of Uncertain Significance.